The following is an entry in ClinVar:

NM_014141.6(CNTNAP2):c.1898-9T>C

Gene: CNTNAP2 (contactin associated protein 2; plus strand). Cytogenetic location: 7q35.
Variant type: single nucleotide variant.
Coding change: c.1898-9T>C on transcript NM_014141.6 (MANE Select); 9 bases into the intron before coding-DNA position 1898, T replaced by C.
Molecular consequence: intron variant.
Genome position (GRCh38, 1-based): chr7:147,639,097, T>C. VCF-style: chr7-147639097-T-C. GRCh37 (hg19) VCF-style: chr7-147336189-T-C.
Identifiers: ClinVar variation 205217 (VCV000205217.19), dbSNP rs372830287, ClinGen allele CA314073.
Genomic context (GRCh38, chr7:147,639,097, plus strand): 5'-ATTTTCTGACATTTGGAGAAGCATTTGCATACTAATGATCCAGGGTCCTGGTTGTTTTTC[T>C]CCCCACAGAGGACAAAGTGTGGACCATAGTGTCTCATGACTTGCAGATGCAGACGCCTGT-3'

ClinVar aggregate classification (germline): Conflicting classifications of pathogenicity. Review status: criteria provided, conflicting classifications (1 of 4 stars). 5 submissions from 5 submitters: Uncertain significance (1); Benign (1); Likely benign (2). 1 of the submissions does not count toward it. Last evaluated 2026-01-24.

Conditions:
CNTNAP2-related disorder. Also called: CNTNAP2-related condition.
Cortical dysplasia-focal epilepsy syndrome (PTHSL1). Also called: Pitt-Hopkins-like syndrome 1. Identifiers: Orphanet 163681, Orphanet 221150, MedGen C2750246, MONDO:0012400, OMIM 610042.

Allele frequency attached by ClinVar (database versions not stated): ExAC 0.00005; gnomAD exomes 0.00005 and 0.00009; gnomAD 0.00006; TOPMed 0.00006; ESP Exome Variant Server 0.00015.
gnomAD v4.1: 143 of 1,613,852 alleles (0.0089%); highest among the groups gnomAD compares: Non-Finnish European, 0.012%; no homozygotes.

Submissions (5):

Labcorp Genetics (formerly Invitae), Labcorp
Classification: Likely benign for Cortical dysplasia-focal epilepsy syndrome. Last evaluated: 2026-01-24. Review status: criteria provided, single submitter. Criteria: Invitae Variant Classification Sherloc (09022015). Collection method: clinical testing. Allele origin: germline.

Blueprint Genetics
Classification: Likely benign. Last evaluated: 2024-07-18. Review status: criteria provided, single submitter. Criteria: ACMG Guidelines, 2015. Collection method: clinical testing. Allele origin: germline.

Illumina Laboratory Services, Illumina
Classification: Uncertain significance for Cortical dysplasia-focal epilepsy syndrome. Last evaluated: 2018-01-13. Review status: criteria provided, single submitter. Criteria: ICSL Variant Classification Criteria 13 December 2019. Collection method: clinical testing. Allele origin: germline.

GeneDx
Classification: Benign. Last evaluated: 2014-06-09. Review status: criteria provided, single submitter. Criteria: GeneDx Variant Classification (06012015). Collection method: clinical testing. Allele origin: germline. Affected: yes.
Comment: This variant is considered likely benign or benign based on one or more of the following criteria: it is a conservative change, it occurs at a poorly conserved position in the protein, it is predicted to be benign by multiple in silico algorithms, and/or has population frequency not consistent with disease.

PreventionGenetics, part of Exact Sciences
Classification: Likely benign for CNTNAP2-related condition. Last evaluated: 2023-08-21. Review status: no assertion criteria provided. Collection method: clinical testing. Allele origin: germline. Not counted in ClinVar's aggregate classification.
Comment: This variant is classified as likely benign based on ACMG/AMP sequence variant interpretation guidelines (Richards et al. 2015 PMID: 25741868, with internal and published modifications).